The following is an entry in ClinVar:

NM_003628.6(PKP4):c.191G>A (p.Ser64Asn)

Gene: PKP4 (plakophilin 4; plus strand). Cytogenetic location: 2q24.1.
Variant type: single nucleotide variant.
Coding change: c.191G>A on transcript NM_003628.6 (MANE Select); coding-DNA position 191, G replaced by A.
Protein change: p.Ser64Asn; replaces serine 64 with asparagine.
Molecular consequence: missense variant. On other transcripts: 5 prime UTR variant (1).
Genome position (GRCh38, 1-based): chr2:158,577,329, G>A. VCF-style: chr2-158577329-G-A. GRCh37 (hg19) VCF-style: chr2-159433841-G-A.
Other names: c.191G>A, p.Ser64Asn (NM_001005476.4, NM_001304969.3, NM_001304971.2 and 9 more transcripts); c.-759G>A (NM_001304970.3); short protein forms S64N.
Identifiers: ClinVar variation 3419560 (VCV003419560.1).

ClinVar aggregate classification (germline): Uncertain significance (1 of 4 stars; one submission).

gnomAD v4.1: 6 of 1,613,462 alleles (0.00037%); highest among the groups gnomAD compares: Non-Finnish European, 0.00017%; no homozygotes.

Submission:

Ambry Genetics
Classification: Uncertain significance. Last evaluated: 2024-11-10. Review status: criteria provided, single submitter. Criteria: Ambry Variant Classification Scheme 2023. Collection method: clinical testing. Allele origin: germline.
Comment: The p.S64N variant (also known as c.191G>A), located in coding exon 2 of the PKP4 gene, results from a G to A substitution at nucleotide position 191. The serine at codon 64 is replaced by asparagine, an amino acid with highly similar properties. This amino acid position is conserved. In addition, this alteration is predicted to be tolerated by in silico analysis. Based on the available evidence, the clinical significance of this variant remains unclear.